The following is an entry in ClinVar:

NM_005732.4(RAD50):c.399_400del (p.Ala134fs)

Gene: RAD50 (RAD50 double strand break repair protein; plus strand). Cytogenetic location: 5q31.1.
Variant type: Microsatellite.
Coding change: c.399_400del on transcript NM_005732.4 (MANE Select); coding-DNA positions 399 to 400, 2 bases deleted (TG; older notation c.399_400delTG).
Protein change: p.Ala134fs; shifts the reading frame from alanine 134.
Molecular consequence: frameshift variant.
Genome position (GRCh38, 1-based): chr5:132,579,350-132,579,351, TG deleted; deleting any 2 consecutive bases within chr5:132,579,347-132,579,351 gives the same sequence; the c. name uses the placement nearest the transcript's 3' end. VCF-style (leftmost placement, unchanged base first): chr5-132579346-AGT-A. GRCh37 (hg19) VCF-style: chr5-131915038-AGT-A.
Other names: short protein forms A134fs.
Identifiers: ClinVar variation 140899 (VCV000140899.12), dbSNP rs587781355, ClinGen allele CA333167.

ClinVar aggregate classification (germline): Pathogenic. Review status: criteria provided, multiple submitters, no conflicts (2 of 4 stars). 3 submissions from 3 submitters: Pathogenic (3). Last evaluated 2026-01-19.

Conditions:
Hereditary cancer-predisposing syndrome. Also called: Neoplastic Syndromes, Hereditary; Hereditary Cancer Syndrome; Tumor predisposition; Hereditary neoplastic syndrome. Identifiers: Orphanet 140162, MedGen C0027672, MeSH D009386, MONDO:0015356.
Nijmegen breakage syndrome-like disorder (NBSLD). Also called: MICROCEPHALY AND SPONTANEOUS CHROMOSOME INSTABILITY WITHOUT IMMUNODEFICIENCY; NBS-LIKE DISORDER; RAD50 DEFICIENCY. Identifiers: Orphanet 240760, MedGen C2751318, MONDO:0013118, OMIM 613078.

Submissions (3):

Labcorp Genetics (formerly Invitae), Labcorp
Classification: Pathogenic for Hereditary cancer-predisposing syndrome. Last evaluated: 2026-01-19. Review status: criteria provided, single submitter. Criteria: Invitae Variant Classification Sherloc (09022015). Collection method: clinical testing. Allele origin: germline.
Comment: This sequence change creates a premature translational stop signal (p.Ala134Argfs*3) in the RAD50 gene. It is expected to result in an absent or disrupted protein product. Loss-of-function variants in RAD50 are known to be pathogenic (PMID: 19409520). This variant is present in population databases (rs763407399, gnomAD no frequency). This premature translational stop signal has been observed in individual(s) with RAD50-related condition (PMID: 24763289). For these reasons, this variant has been classified as Pathogenic.

Ambry Genetics
Classification: Pathogenic for Hereditary cancer-predisposing syndrome. Last evaluated: 2023-04-28. Review status: criteria provided, single submitter. Criteria: Ambry Variant Classification Scheme 2023. Collection method: clinical testing. Allele origin: germline.
Comment: The c.399_400delTG pathogenic mutation, located in coding exon 4 of the RAD50 gene, results from a deletion of two nucleotides at nucleotide positions 399 to 400, causing a translational frameshift with a predicted alternate stop codon (p.A134Rfs*3). This alteration is expected to result in loss of function by premature protein truncation or nonsense-mediated mRNA decay. As such, this alteration is interpreted as a disease-causing mutation.

Genesis Genomics
Classification: Pathogenic for Nijmegen breakage syndrome-like disorder. Review status: criteria provided, single submitter. Criteria: ACMG Guidelines, 2015. Collection method: clinical testing. Allele origin: germline. Affected: yes. Observed: 1 variant allele.

Literature cited by the submitters: PubMed 19409520 (cited by Labcorp Genetics (formerly Invitae), Labcorp); PubMed 24763289 (cited by Labcorp Genetics (formerly Invitae), Labcorp).